The following is an entry in ClinVar:

NM_001277115.2(DNAH11):c.346C>T (p.Gln116Ter)

Gene: DNAH11 (dynein axonemal heavy chain 11; plus strand). Cytogenetic location: 7p15.3.
Variant type: single nucleotide variant.
Coding change: c.346C>T on transcript NM_001277115.2 (MANE Select); coding-DNA position 346, C replaced by T.
Protein change: p.Gln116Ter; replaces glutamine 116 with a stop codon.
Molecular consequence: nonsense.
Genome position (GRCh38, 1-based): chr7:21,543,591, C>T. VCF-style: chr7-21543591-C-T. GRCh37 (hg19) VCF-style: chr7-21583209-C-T.
Other names: NM_001277115.2(DNAH11):c.346C>T; p.Gln116Ter; c.346C>T, p.Gln116Ter (NM_003777.3); short protein forms Q116*.
Identifiers: ClinVar variation 1731721 (VCV001731721.3), dbSNP rs374802008, ClinGen allele CA366931665.
Genomic context (GRCh38, chr7:21,543,591, plus strand): 5'-AGCACCAGCCCGGCTTGCCTTGTGTTTAGCTTCGCCGCCTCGGGGCGCCTTGCGGCTTCC[C>T]AGGAGGTAAGAGGCGACGGGCAAGGGGACCTGCCCATCCAACAAAACTACCCAGGGGAGA-3'

ClinVar aggregate classification (germline): Pathogenic/Likely pathogenic. Review status: criteria provided, multiple submitters, no conflicts (2 of 4 stars). 2 submissions from 2 submitters: Pathogenic (1); Likely pathogenic (1). Last evaluated 2025-02-10.

Conditions:
Primary ciliary dyskinesia 7. Also called: CILIARY DYSKINESIA, PRIMARY, 7, WITH OR WITHOUT SITUS INVERSUS. Identifiers: Orphanet 244, MedGen C2678473, MONDO:0012748, OMIM 611884.
Primary ciliary dyskinesia. Also called: Ciliary dyskinesia. Identifiers: Orphanet 244, MedGen C0008780, MONDO:0016575, HP:0012265.

gnomAD v4.1: 3 of 1,591,834 alleles (0.00019%); highest among the groups gnomAD compares: African/African-American, 0.0013%; no homozygotes.

Submissions (2):

Broad Center for Mendelian Genomics, Broad Institute of MIT and Harvard
Classification: Likely pathogenic for Primary ciliary dyskinesia 7. Last evaluated: 2025-02-10. Review status: criteria provided, single submitter. Criteria: ACMG Guidelines, 2015. Collection method: curation. Allele origin: germline. Inheritance: Autosomal recessive inheritance.
Comment: The p.Gln116Ter variant in DNAH11 has not been previously reported in the literature in individuals with primary ciliary dyskinesia, but has been identified in 0.001% (1/74680) of African/African American chromosomes by the Genome Aggregation Database (gnomAD; dbSNP rs374802008). Although this variant has been seen in the general population in a heterozygous state, its frequency is low enough to be consistent with a recessive carrier frequency. This variant has also been reported in ClinVar (Variation ID: 1731721) and has been interpreted as pathogenic by Ambry Genetics. This nonsense variant leads to a premature termination codon at position 116, which is predicted to lead to a truncated or absent protein. Loss of function of the DNAH11 gene is an established disease mechanism in autosomal recessive primary ciliary dyskinesia. In summary, although additional studies are required to fully establish its clinical significance, this variant is likely pathogenic for autosomal recessive primary ciliary dyskinesia. ACMG/AMP Criteria applied: PVS1, PM2_supporting (Richards 2015).

Ambry Genetics
Classification: Pathogenic for Primary ciliary dyskinesia. Last evaluated: 2018-02-16. Review status: criteria provided, single submitter. Criteria: Ambry Variant Classification Scheme 2023. Collection method: clinical testing. Allele origin: germline.
Comment: The p.Q116* pathogenic mutation (also known as c.346C>T), located in coding exon 1 of the DNAH11 gene, results from a C to T substitution at nucleotide position 346. This changes the amino acid from a glutamine to a stop codon within coding exon 1. This alteration is expected to result in loss of function by premature protein truncation or nonsense-mediated mRNA decay. As such, this alteration is interpreted as a disease-causing mutation.